The following is an entry in ClinVar:

ClinVar aggregate classification (germline): Uncertain significance (1 of 4 stars; one submission).

Conditions:
KITLG-related disorder. Also called: KITLG-related condition.

gnomAD v4.1: 25 of 1,612,516 alleles (0.0016%); highest among the groups gnomAD compares: East Asian, 0.054%; no homozygotes.

Submission:

PreventionGenetics, part of Exact Sciences
Classification: Uncertain significance for KITLG-related condition. Last evaluated: 2026-04-08. Review status: criteria provided, single submitter. Criteria: ACMG Guidelines, 2015. Collection method: clinical testing. Allele origin: germline.
Comment: The KITLG c.625G>A variant is predicted to result in the amino acid substitution p.Gly209Arg. To our knowledge, this variant has not been reported in the literature. This variant is reported in 0.11% of alleles in individuals of East Asian descent in gnomAD. Although we suspect that this variant may be benign, at this time, the clinical significance of this variant is uncertain due to the absence of conclusive functional and genetic evidence.

NM_000899.5(KITLG):c.625G>A (p.Gly209Arg)

Gene: KITLG (KIT ligand; minus strand). Cytogenetic location: 12q21.32.
Variant type: single nucleotide variant.
Coding change: c.625G>A on transcript NM_000899.5 (MANE Select); coding-DNA position 625, G replaced by A.
Protein change: p.Gly209Arg; replaces glycine 209 with arginine.
Molecular consequence: missense variant.
Genome position (GRCh38, 1-based): chr12:88,507,117, C>T on the plus strand (G>A on the coding strand, the complement: KITLG is on the minus strand). VCF-style: chr12-88507117-C-T. GRCh37 (hg19) VCF-style: chr12-88900894-C-T.
Other names: c.541G>A, p.Gly181Arg (NM_003994.6); short protein forms G181R, G209R.
Identifiers: ClinVar variation 4977486 (VCV004977486.1).